The following is an entry in ClinVar:

NM_001253697.2(ERBIN):c.2309T>C (p.Leu770Pro)

Gene: ERBIN (erbb2 interacting protein; plus strand). Cytogenetic location: 5q12.3.
Variant type: single nucleotide variant.
Coding change: c.2309T>C on transcript NM_001253697.2 (MANE Select); coding-DNA position 2309, T replaced by C.
Protein change: p.Leu770Pro; replaces leucine 770 with proline.
Molecular consequence: missense variant.
Genome position (GRCh38, 1-based): chr5:66,053,627, T>C. VCF-style: chr5-66053627-T-C. GRCh37 (hg19) VCF-style: chr5-65349455-T-C.
Other names: c.2309T>C, p.Leu770Pro (NM_001006600.3, NM_018695.4, NM_001253698.2 and 1 more transcripts); c.2297T>C, p.Leu766Pro (NM_001253701.2); short protein forms L766P, L770P.
Identifiers: ClinVar variation 4772562 (VCV004772562.1).
Genomic context (GRCh38, chr5:66,053,627, plus strand): 5'-CAACAGCCACAGCTGATGACACTCACAAATTAGATCATATCAATATGAATCTTAATAAAC[T>C]TATAACTAATGATACATTTCAACCAGAGATCATGGAAAGATCAAAAACACAGGATATTGT-3'
Protein context (NP_001240626.1, residues 760-780): LDHINMNLNK[Leu770Pro]ITNDTFQPEI

ClinVar aggregate classification (germline): Uncertain significance (1 of 4 stars; one submission).

gnomAD v4.1: 6 of 1,612,274 alleles (0.00037%); highest among the groups gnomAD compares: South Asian, 0.0055%; no homozygotes.

Submission:

Labcorp Genetics (formerly Invitae), Labcorp
Classification: Uncertain significance. Last evaluated: 2025-11-25. Review status: criteria provided, single submitter. Criteria: Invitae Variant Classification Sherloc (09022015). Collection method: clinical testing. Allele origin: germline.
Comment: This sequence change replaces leucine, which is neutral and non-polar, with proline, which is neutral and non-polar, at codon 770 of the ERBIN protein (p.Leu770Pro). This variant is present in population databases (rs776367178, gnomAD 0.01%). This variant has not been reported in the literature in individuals affected with ERBIN-related conditions. An algorithm developed to predict the effect of missense changes on protein structure and function (PolyPhen-2) suggests that this variant is likely to be disruptive. In summary, the available evidence is currently insufficient to determine the role of this variant in disease. Therefore, it has been classified as a Variant of Uncertain Significance.